The following is an entry in ClinVar:

ClinVar aggregate classification (germline): Uncertain significance (1 of 4 stars; one submission).

Conditions:
EGFR-related lung cancer (EGFR). Identifiers: MedGen CN130014.

gnomAD v4.1: 1 of 1,614,164 alleles (0.000062%); no homozygotes.

Submission:

Labcorp Genetics (formerly Invitae), Labcorp
Classification: Uncertain significance for EGFR-related lung cancer. Last evaluated: 2024-04-22. Review status: criteria provided, single submitter. Criteria: Invitae Variant Classification Sherloc (09022015). Collection method: clinical testing. Allele origin: germline.
Comment: This sequence change creates a premature translational stop signal (p.Tyr1197*) in the EGFR gene. While this is not anticipated to result in nonsense mediated decay, it is expected to disrupt the last 14 amino acid(s) of the EGFR protein. This variant is present in population databases (no rsID available, gnomAD 0.006%). This variant has not been reported in the literature in individuals affected with EGFR-related conditions. Experimental studies and prediction algorithms are not available or were not evaluated, and the functional significance of this variant is currently unknown. In summary, the available evidence is currently insufficient to determine the role of this variant in disease. Therefore, it has been classified as a Variant of Uncertain Significance.

NM_005228.5(EGFR):c.3591C>A (p.Tyr1197Ter)

Gene: EGFR (epidermal growth factor receptor; plus strand). Cytogenetic location: 7p11.2.
Variant type: single nucleotide variant.
Coding change: c.3591C>A on transcript NM_005228.5 (MANE Select); coding-DNA position 3591, C replaced by A.
Protein change: p.Tyr1197Ter; replaces tyrosine 1197 with a stop codon.
Molecular consequence: nonsense.
Genome position (GRCh38, 1-based): chr7:55,205,575, C>A. VCF-style: chr7-55205575-C-A. GRCh37 (hg19) VCF-style: chr7-55273268-C-A.
Other names: c.3456C>A, p.Tyr1152Ter (NM_001346899.2); c.3432C>A, p.Tyr1144Ter (NM_001346900.2); c.2790C>A, p.Tyr930Ter (NM_001346941.2); short protein forms Y1152*, Y930*, Y1144*, Y1197*.
Identifiers: ClinVar variation 3686127 (VCV003686127.2).